The following is an entry in ClinVar:

ClinVar aggregate classification (germline): Uncertain significance (1 of 4 stars; one submission).

Submission:

GeneDx
Classification: Uncertain significance. Last evaluated: 2022-12-27. Review status: criteria provided, single submitter. Criteria: GeneDx Variant Classification Process June 2021. Collection method: clinical testing. Allele origin: germline. Affected: yes.
Comment: Not observed at significant frequency in large population cohorts (gnomAD); Missense variant in a gene in which most reported pathogenic variants are truncating/loss of function; Has not been previously published as pathogenic or benign to our knowledge

NM_001267550.2(TTN):c.5858A>C (p.Glu1953Ala)

Gene: TTN (titin; minus strand). Cytogenetic location: 2q31.2.
Variant type: single nucleotide variant.
Coding change: c.5858A>C on transcript NM_001267550.2 (MANE Select); coding-DNA position 5858, A replaced by C.
Protein change: p.Glu1953Ala; replaces glutamic acid 1953 with alanine.
Molecular consequence: missense variant.
Genome position (GRCh38, 1-based): chr2:178,776,006, T>G on the plus strand (A>C on the coding strand, the complement: TTN is on the minus strand). VCF-style: chr2-178776006-T-G. GRCh37 (hg19) VCF-style: chr2-179640733-T-G.
Other names: c.5858A>C, p.Glu1953Ala (NM_001256850.1, NM_133378.4, NM_133379.5); c.5720A>C, p.Glu1907Ala (NM_003319.4, NM_133432.3, NM_133437.4); short protein forms E1907A, E1953A.
Identifiers: ClinVar variation 2507196 (VCV002507196.1), dbSNP rs1331581040, ClinGen allele CA349446197.
Genomic context (GRCh38, chr2:178,776,006, plus strand): 5'-GTTTCAGTGGTGTCAACAGGTCTATCCACTTTTTGTACTTCAAACTGAAGCTTTCCTGGT[T>G]CATGTACGTGAAACTCAGGCCTTGGTTCAGGAGCTCTCCTAAGGACAGACCTAAAATCTT-3'
Protein context (NP_001254479.2, residues 1943-1963): PEPRPEFHVH[Glu1953Ala]PGKLQFEVQK